The following is an entry in ClinVar:

NM_022489.4(INF2):c.1411C>G (p.Pro471Ala)

Gene: INF2 (inverted formin 2; plus strand). Cytogenetic location: 14q32.33.
Variant type: single nucleotide variant.
Coding change: c.1411C>G on transcript NM_022489.4 (MANE Select); coding-DNA position 1411, C replaced by G.
Protein change: p.Pro471Ala; replaces proline 471 with alanine.
Molecular consequence: missense variant.
Genome position (GRCh38, 1-based): chr14:104,707,678, C>G. VCF-style: chr14-104707678-C-G. GRCh37 (hg19) VCF-style: chr14-105174015-C-G.
Other names: c.1411C>G, p.Pro471Ala (NM_001031714.4, NM_001426862.1, NM_001426863.1 and 2 more transcripts); short protein forms P471A.
Identifiers: ClinVar variation 2930207 (VCV002930207.3), dbSNP rs2541920204, ClinGen allele CA391216913.

ClinVar aggregate classification (germline): Uncertain significance (1 of 4 stars; one submission).

Conditions:
Focal segmental glomerulosclerosis 5 (FSGS5). Identifiers: Orphanet 656, MedGen C2750475, MONDO:0013191, OMIM 613237.
Charcot-Marie-Tooth disease dominant intermediate E. Also called: CHARCOT-MARIE-TOOTH NEUROPATHY WITH FOCAL SEGMENTAL GLOMERULONEPHRITIS. Identifiers: Orphanet 93114, MedGen C4302667, MONDO:0013758, OMIM 614455.

Allele frequency attached by ClinVar (database versions not stated): gnomAD exomes below 0.00001.
gnomAD v4.1: 1 of 973,154 alleles (0.0001%); highest among the groups gnomAD compares: Non-Finnish European, 0.00015%; no homozygotes.

Submission:

Labcorp Genetics (formerly Invitae), Labcorp
Classification: Uncertain significance for Charcot-Marie-Tooth disease dominant intermediate E; Focal segmental glomerulosclerosis 5. Last evaluated: 2022-11-03. Review status: criteria provided, single submitter. Criteria: Invitae Variant Classification Sherloc (09022015). Collection method: clinical testing. Allele origin: germline.
Comment: This variant is not present in population databases (gnomAD no frequency). Advanced modeling of protein sequence and biophysical properties (such as structural, functional, and spatial information, amino acid conservation, physicochemical variation, residue mobility, and thermodynamic stability) performed at Invitae indicates that this missense variant is not expected to disrupt INF2 protein function. This variant has not been reported in the literature in individuals affected with INF2-related conditions. In summary, the available evidence is currently insufficient to determine the role of this variant in disease. Therefore, it has been classified as a Variant of Uncertain Significance. This sequence change replaces proline, which is neutral and non-polar, with alanine, which is neutral and non-polar, at codon 471 of the INF2 protein (p.Pro471Ala).